The following is an entry in ClinVar:

ClinVar aggregate classification (germline): Uncertain significance (1 of 4 stars; one submission).

Submission:

Labcorp Genetics (formerly Invitae), Labcorp
Classification: Uncertain significance. Last evaluated: 2023-04-20. Review status: criteria provided, single submitter. Criteria: Invitae Variant Classification Sherloc (09022015). Collection method: clinical testing. Allele origin: germline.
Comment: In summary, the available evidence is currently insufficient to determine the role of this variant in disease. Therefore, it has been classified as a Variant of Uncertain Significance. An algorithm developed to predict the effect of missense changes on protein structure and function (PolyPhen-2) suggests that this variant is likely to be disruptive. This variant has not been reported in the literature in individuals affected with SPP2-related conditions. This variant is not present in population databases (gnomAD no frequency). This sequence change replaces asparagine, which is neutral and polar, with isoleucine, which is neutral and non-polar, at codon 52 of the SPP2 protein (p.Asn52Ile).

NM_006944.3(SPP2):c.155A>T (p.Asn52Ile)

Gene: SPP2 (secreted phosphoprotein 2; plus strand). Cytogenetic location: 2q37.1.
Variant type: single nucleotide variant.
Coding change: c.155A>T on transcript NM_006944.3 (MANE Select); coding-DNA position 155, A replaced by T.
Protein change: p.Asn52Ile; replaces asparagine 52 with isoleucine.
Molecular consequence: missense variant.
Genome position (GRCh38, 1-based): chr2:234,051,040, A>T. VCF-style: chr2-234051040-A-T. GRCh37 (hg19) VCF-style: chr2-234959684-A-T.
Other names: short protein forms N52I.
Identifiers: ClinVar variation 2857698 (VCV002857698.3), dbSNP rs760990067, ClinGen allele CA67654232.